The following is an entry in ClinVar:

NM_000392.5(ABCC2):c.2748-1G>T

Genes: ABCC2 (ATP binding cassette subfamily C member 2; plus strand), LOC126861012 (BRD4-independent group 4 enhancer GRCh37_chr10:101589748-101590947; plus strand). Cytogenetic location: 10q24.2.
Variant type: single nucleotide variant.
Coding change: c.2748-1G>T on transcript NM_000392.5 (MANE Select); the canonical splice acceptor site of the intron before coding-DNA position 2748, G replaced by T.
Molecular consequence: splice acceptor variant.
Genome position (GRCh38, 1-based): chr10:99,830,715, G>T. VCF-style: chr10-99830715-G-T. GRCh37 (hg19) VCF-style: chr10-101590472-G-T.
Identifiers: ClinVar variation 2959979 (VCV002959979.2), dbSNP rs781545154, ClinGen allele CA5643597.

ClinVar aggregate classification (germline): Likely pathogenic (1 of 4 stars; one submission).

Allele frequency attached by ClinVar (database versions not stated): ExAC 0.00001; TOPMed 0.00004; gnomAD 0.00005.
gnomAD v4.1: 113 of 1,613,964 alleles (0.007%); highest among the groups gnomAD compares: Non-Finnish European, 0.0092%; no homozygotes.

Submission:

Labcorp Genetics (formerly Invitae), Labcorp
Classification: Likely pathogenic. Last evaluated: 2024-01-04. Review status: criteria provided, single submitter. Criteria: Invitae Variant Classification Sherloc (09022015). Collection method: clinical testing. Allele origin: germline.
Comment: This sequence change affects an acceptor splice site in intron 20 of the ABCC2 gene. It is expected to disrupt RNA splicing. Variants that disrupt the donor or acceptor splice site typically lead to a loss of protein function (PMID: 16199547), and loss-of-function variants in ABCC2 are known to be pathogenic (PMID: 9185779, 16549534, 16952291). This variant is present in population databases (rs781545154, gnomAD 0.008%). This variant has not been reported in the literature in individuals affected with ABCC2-related conditions. Algorithms developed to predict the effect of sequence changes on RNA splicing suggest that this variant may disrupt the consensus splice site. In summary, the currently available evidence indicates that the variant is pathogenic, but additional data are needed to prove that conclusively. Therefore, this variant has been classified as Likely Pathogenic.

Literature cited by the submitters: PubMed 16199547; PubMed 9185779; PubMed 16549534; PubMed 16952291.